The following is an entry in ClinVar:

NM_004279.3(PMPCB):c.317T>C (p.Met106Thr)

Gene: PMPCB (peptidase, mitochondrial processing subunit beta; plus strand). Cytogenetic location: 7q22.1.
Variant type: single nucleotide variant.
Coding change: c.317T>C on transcript NM_004279.3 (MANE Select); coding-DNA position 317, T replaced by C.
Protein change: p.Met106Thr; replaces methionine 106 with threonine.
Molecular consequence: missense variant.
Genome position (GRCh38, 1-based): chr7:103,299,519, T>C. VCF-style: chr7-103299519-T-C. GRCh37 (hg19) VCF-style: chr7-102939966-T-C.
Other names: short protein forms M106T.
Identifiers: ClinVar variation 3371243 (VCV003371243.1).
Genomic context (GRCh38, chr7:103,299,519, plus strand): 5'-ATGCTGGAAGTAGATACGAAAATGAGAAGAACAATGGAACAGCACACTTTCTGGAGCATA[T>C]GGCTTTCAAGGCAAGTTGTAAGACTTTACAAAAATGCACTCTCTTTAAGAGATAATAAGC-3'
Protein context (NP_004270.2, residues 96-116): NNGTAHFLEH[Met106Thr]AFKGTKKRSQ

ClinVar aggregate classification (germline): Uncertain significance (1 of 4 stars; one submission).

Submission:

GeneDx
Classification: Uncertain significance. Last evaluated: 2024-03-26. Review status: criteria provided, single submitter. Criteria: GeneDx Variant Classification Process June 2021. Collection method: clinical testing. Allele origin: germline. Affected: yes.
Comment: Not observed at significant frequency in large population cohorts (gnomAD); In silico analysis supports that this missense variant has a deleterious effect on protein structure/function; Has not been previously published as pathogenic or benign to our knowledge